The following is an entry in ClinVar:

ClinVar aggregate classification (germline): Pathogenic (1 of 4 stars; one submission).

Conditions:
Neurofibromatosis, type 1 (NF1). Also called: Peripheral type neurofibromatosis; VON RECKLINGHAUSEN DISEASE; NEUROFIBROMATOSIS, TYPE I, SOMATIC; Neurofibromatosis, type I. Identifiers: Orphanet 636, MedGen C0027831, MONDO:0018975, OMIM 162200. Disease mechanism: loss of function.

Submission:

Labcorp Genetics (formerly Invitae), Labcorp
Classification: Pathogenic for Neurofibromatosis, type 1. Last evaluated: 2024-01-21. Review status: criteria provided, single submitter. Criteria: Invitae Variant Classification Sherloc (09022015). Collection method: clinical testing. Allele origin: germline.
Comment: This sequence change creates a premature translational stop signal (p.His2571Ilefs*32) in the NF1 gene. It is expected to result in an absent or disrupted protein product. Loss-of-function variants in NF1 are known to be pathogenic (PMID: 10712197, 23913538). This variant is not present in population databases (gnomAD no frequency). This variant has not been reported in the literature in individuals affected with NF1-related conditions. For these reasons, this variant has been classified as Pathogenic.

Literature cited by the submitters: PubMed 10712197; PubMed 23913538.

NM_001042492.3(NF1):c.7773del (p.His2592fs)

Gene: NF1 (neurofibromin 1; plus strand). Cytogenetic location: 17q11.2.
Variant type: Deletion.
Coding change: c.7773del on transcript NM_001042492.3 (MANE Select); coding-DNA position 7773, one base deleted (A; older notation c.7773delA).
Protein change: p.His2592fs; shifts the reading frame from histidine 2592.
Molecular consequence: frameshift variant.
Genome position (GRCh38, 1-based): chr17:31,356,994, A deleted. VCF-style (leftmost placement, unchanged base first): chr17-31356993-CA-C. GRCh37 (hg19) VCF-style: chr17-29684011-CA-C.
Other names: c.7710delA, p.His2571Ilefs (NM_000267.4); short protein forms H2571fs, H2592fs.
Identifiers: ClinVar variation 2710586 (VCV002710586.3), dbSNP rs2508827298, ClinGen allele CA2697559655.